The following is an entry in ClinVar:

NM_000548.5(TSC2):c.4448G>C (p.Arg1483Thr)

Gene: TSC2 (TSC complex subunit 2; plus strand). Cytogenetic location: 16p13.3.
Variant type: single nucleotide variant.
Coding change: c.4448G>C on transcript NM_000548.5 (MANE Select); coding-DNA position 4448, G replaced by C.
Protein change: p.Arg1483Thr; replaces arginine 1483 with threonine.
Molecular consequence: missense variant.
Genome position (GRCh38, 1-based): chr16:2,084,670, G>C. VCF-style: chr16-2084670-G-C. GRCh37 (hg19) VCF-style: chr16-2134671-G-C.
Other names: Tuberin; c.[4448G>C] (NM_000548.3); c.4247G>C, p.Arg1416Thr (NM_001077183.3); c.4379G>C, p.Arg1460Thr (NM_001114382.3); c.4139G>C, p.Arg1380Thr (NM_001318827.2); c.4103G>C, p.Arg1368Thr (NM_001318829.2); c.3716G>C, p.Arg1239Thr (NM_001318831.2); c.4280G>C, p.Arg1427Thr (NM_001318832.2); and 4 more; short protein forms R1483T, R1239T, R1380T, R1427T, R1439T, R1368T, R1416T, R1417T.
Identifiers: ClinVar variation 65332 (VCV000065332.26), dbSNP rs370114027, ClinGen allele CA020481.

ClinVar aggregate classification (germline): Conflicting classifications of pathogenicity. Review status: criteria provided, conflicting classifications (1 of 4 stars). 9 submissions from 9 submitters: Uncertain significance (1); Benign (1); Likely benign (5). 2 of the submissions do not count toward it. Last evaluated 2026-01-20.

Conditions:
TSC2-related disorder. Also called: TSC2-Related Disorders; TSC2-related condition.
Hereditary cancer-predisposing syndrome. Also called: Hereditary Cancer Syndrome; Neoplastic Syndromes, Hereditary; Hereditary neoplastic syndrome; Tumor predisposition. Identifiers: Orphanet 140162, MedGen C0027672, MeSH D009386, MONDO:0015356.
Tuberous sclerosis syndrome (TSC). Also called: Tuberous Sclerosis Complex; Tuberous sclerosis. Identifiers: Orphanet 805, MedGen C0041341, MONDO:0001734.
Tuberous sclerosis 2 (TSC2). Identifiers: Orphanet 805, MedGen C1860707, MONDO:0013199, OMIM 613254.

Allele frequency attached by ClinVar (database versions not stated): gnomAD 0.00001; gnomAD exomes 0.00002 and 0.00003; TOPMed 0.00002; ExAC 0.00003; ESP Exome Variant Server 0.00008.
gnomAD v4.1: 39 of 1,598,698 alleles (0.0024%); highest among the groups gnomAD compares: Admixed American, 0.0033%; no homozygotes.

Submissions (9):

Labcorp Genetics (formerly Invitae), Labcorp
Classification: Likely benign for Tuberous sclerosis 2. Last evaluated: 2026-01-20. Review status: criteria provided, single submitter. Criteria: Invitae Variant Classification Sherloc (09022015). Collection method: clinical testing. Allele origin: germline.

PreventionGenetics, part of Exact Sciences
Classification: Likely benign for TSC2-related condition. Last evaluated: 2025-08-20. Review status: criteria provided, single submitter. Criteria: ACMG Guidelines, 2015. Collection method: clinical testing. Allele origin: germline.
Comment: This variant is classified as likely benign based on ACMG/AMP sequence variant interpretation guidelines (Richards et al. 2015 PMID: 25741868, with internal and published modifications).

Color Diagnostics, LLC DBA Color Health
Classification: Uncertain significance for Tuberous sclerosis syndrome. Last evaluated: 2023-11-08. Review status: criteria provided, single submitter. Criteria: ACMG Guidelines, 2015. Collection method: clinical testing. Allele origin: germline.
Comment: This missense variant replaces arginine with threonine at codon 1483 of the TSC2 protein. Computational prediction is inconclusive regarding the impact of this variant on protein structure and function. To our knowledge, functional studies have not been reported for this variant. This variant has not been reported in individuals affected with tuberous sclerosis complex in the literature. This variant has been identified in 5/237554 chromosomes in the general population by the Genome Aggregation Database (gnomAD). The available evidence is insufficient to determine the role of this variant in disease conclusively. Therefore, this variant is classified as a Variant of Uncertain Significance.

Genome-Nilou Lab
Classification: Benign for Tuberous sclerosis 2. Last evaluated: 2021-11-07. Review status: criteria provided, single submitter. Criteria: ACMG Guidelines, 2015. Collection method: clinical testing. Allele origin: germline. Affected: no.

Sema4
Classification: Likely benign for Hereditary cancer-predisposing syndrome. Last evaluated: 2021-07-26. Review status: criteria provided, single submitter. Criteria: Sema4 Curation Guidelines. Collection method: curation. Allele origin: germline.

GeneDx
Classification: Likely benign. Last evaluated: 2020-12-18. Review status: criteria provided, single submitter. Criteria: GeneDx Variant Classification Process June 2021. Collection method: clinical testing. Allele origin: germline. Affected: yes.

Ambry Genetics
Classification: Likely benign for Hereditary cancer-predisposing syndrome. Last evaluated: 2018-07-25. Review status: criteria provided, single submitter. Criteria: Ambry Variant Classification Scheme 2023. Collection method: clinical testing. Allele origin: germline.

Istituto Neurologico Mediterraneo, Istituto di Ricovero e Cura a Carattere Scientifico
Classification: Benign for Tuberous sclerosis 2. Last evaluated: 2019-09-27. Review status: no assertion criteria provided. Collection method: clinical testing. Allele origin: unknown. Inheritance: Autosomal dominant inheritance. Affected: no. Not counted in ClinVar's aggregate classification.

Tuberous sclerosis database (TSC2)
No classification provided. Condition: TSC. Review status: no classification provided. Criteria: Tuberous Sclerosis Database Assertion Criteria 2015. Collection method: curation. Allele origin: germline. Affected: yes. Not counted in ClinVar's aggregate classification.